The following is an entry in ClinVar:

NC_012920.1(MT-ND5):m.13926T>C

Gene: MT-ND5 (mitochondrially encoded NADH dehydrogenase 5; plus strand).
Variant type: single nucleotide variant.
Genome position: chrM-13926-T-C.
Identifiers: ClinVar variation 235477 (VCV000235477.3), dbSNP rs878853047, ClinGen allele CA10581324.

ClinVar aggregate classification (germline): Uncertain significance (1 of 4 stars; one submission).

Submission:

Center for Pediatric Genomic Medicine, Children's Mercy Hospital and Clinics
Classification: Uncertain significance. Last evaluated: 2015-12-22. Review status: criteria provided, single submitter. Criteria: ACMG Guidelines, 2015. Collection method: clinical testing. Allele origin: germline.
ClinVar note: Converted during submission from Uncertain Significance to Uncertain significance.